The following is an entry in ClinVar:

ClinVar aggregate classification (germline): Conflicting classifications of pathogenicity. Review status: criteria provided, conflicting classifications (1 of 4 stars). 2 submissions from 2 submitters: Uncertain significance (1); Benign (1). Last evaluated 2023-03-12.

gnomAD v4.1: 1 of 1,601,564 alleles (0.000062%); highest among the groups gnomAD compares: African/African-American, 0.0013%; no homozygotes.

Submissions (2):

GeneDx
Classification: Uncertain significance. Last evaluated: 2023-03-12. Review status: criteria provided, single submitter. Criteria: GeneDx Variant Classification Process June 2021. Collection method: clinical testing. Allele origin: germline. Affected: yes.
Comment: Not observed at significant frequency in large population cohorts (gnomAD); In silico analysis supports that this missense variant does not alter protein structure/function; Has not been previously published as pathogenic or benign to our knowledge

Labcorp Genetics (formerly Invitae), Labcorp
Classification: Benign. Last evaluated: 2022-12-21. Review status: criteria provided, single submitter. Criteria: Invitae Variant Classification Sherloc (09022015). Collection method: clinical testing. Allele origin: germline.

NM_030665.4(RAI1):c.2391C>A (p.Asp797Glu)

Gene: RAI1 (retinoic acid induced 1; plus strand). Cytogenetic location: 17p11.2.
Variant type: single nucleotide variant.
Coding change: c.2391C>A on transcript NM_030665.4 (MANE Select); coding-DNA position 2391, C replaced by A.
Protein change: p.Asp797Glu; replaces aspartic acid 797 with glutamic acid.
Molecular consequence: missense variant.
Genome position (GRCh38, 1-based): chr17:17,795,339, C>A. VCF-style: chr17-17795339-C-A. GRCh37 (hg19) VCF-style: chr17-17698653-C-A.
Other names: c.2391C>A (NM_030665.3); short protein forms D797E.
Identifiers: ClinVar variation 1720988 (VCV001720988.6), dbSNP rs1255770587, ClinGen allele CA398550854.